The following is an entry in ClinVar:

ClinVar aggregate classification (germline): Uncertain significance (1 of 4 stars; one submission).

Allele frequency attached by ClinVar (database versions not stated): ExAC 0.00001.
gnomAD v4.1: 6 of 1,614,112 alleles (0.00037%); highest among the groups gnomAD compares: Admixed American, 0.0017%; no homozygotes.

Submission:

Labcorp Genetics (formerly Invitae), Labcorp
Classification: Uncertain significance. Last evaluated: 2025-04-21. Review status: criteria provided, single submitter. Criteria: Invitae Variant Classification Sherloc (09022015). Collection method: clinical testing. Allele origin: germline.
Comment: This sequence change replaces asparagine, which is neutral and polar, with lysine, which is basic and polar, at codon 279 of the TNFRSF11B protein (p.Asn279Lys). This variant is present in population databases (rs778507017, gnomAD 0.006%). This variant has not been reported in the literature in individuals affected with TNFRSF11B-related conditions. ClinVar contains an entry for this variant (Variation ID: 1491959). Invitae Evidence Modeling of protein sequence and biophysical properties (such as structural, functional, and spatial information, amino acid conservation, physicochemical variation, residue mobility, and thermodynamic stability) indicates that this missense variant is not expected to disrupt TNFRSF11B protein function with a negative predictive value of 80%. In summary, the available evidence is currently insufficient to determine the role of this variant in disease. Therefore, it has been classified as a Variant of Uncertain Significance.

NM_002546.4(TNFRSF11B):c.837C>G (p.Asn279Lys)

Gene: TNFRSF11B (TNF receptor superfamily member 11b; minus strand). Cytogenetic location: 8q24.12.
Variant type: single nucleotide variant.
Coding change: c.837C>G on transcript NM_002546.4 (MANE Select); coding-DNA position 837, C replaced by G.
Protein change: p.Asn279Lys; replaces asparagine 279 with lysine.
Molecular consequence: missense variant.
Genome position (GRCh38, 1-based): chr8:118,924,743, G>C on the plus strand (C>G on the coding strand, the complement: TNFRSF11B is on the minus strand). VCF-style: chr8-118924743-G-C. GRCh37 (hg19) VCF-style: chr8-119936982-G-C.
Other names: short protein forms N279K.
Identifiers: ClinVar variation 1491959 (VCV001491959.8), dbSNP rs778507017, ClinGen allele CA4854811.